The following is an entry in ClinVar:

NM_000143.4(FH):c.1250_1251insTAATGTGT (p.Leu417fs)

Gene: FH (fumarate hydratase; minus strand). Cytogenetic location: 1q43.
Variant type: Microsatellite.
Coding change: c.1250_1251insTAATGTGT on transcript NM_000143.4 (MANE Select); coding-DNA positions 1250 to 1251, TAATGTGT inserted.
Protein change: p.Leu417fs; shifts the reading frame from leucine 417.
Molecular consequence: frameshift variant. On other transcripts: inframe indel (1).
Genome position: GRCh38 VCF-style: chr1-241500576-T-TACACATTA. GRCh37 (hg19) VCF-style: chr1-241663876-T-TACACATTA.
Other names: c.1250_1251insTAATGTGT (NM_000143.3); short protein forms L417fs.
Identifiers: ClinVar variation 1710970 (VCV001710970.1), dbSNP rs2527313198.
Genomic context (GRCh38, chr1:241,500,576, plus strand): 5'-TCCCACCACGCAGTTTTCTGTAAAGGAAACTGAAGCATCCCCCAGCAGCCTGGCTGAGTG[T>TACACATTA]AACACATTTTTAATCTTTGAGTGAGTGAGAGAGAGAGAGAGAGAGAGAGAGAGAGAGAGA-3'

ClinVar aggregate classification (germline): Likely pathogenic (1 of 4 stars; one submission).

Conditions:
Hereditary leiomyomatosis and renal cell cancer. Also called: LEIOMYOMA, MULTIPLE CUTANEOUS; MULTIPLE CUTANEOUS AND UTERINE LEIOMYOMATA 1, WITH OR WITHOUT RENAL CELL CARCINOMA; FH tumor predisposition syndrome; Reed syndrome; Multiple cutaneous and uterine leiomyomatosis; Cutaneous leiomyomata with uterine leiomyomata. Identifiers: Orphanet 523, MedGen C1708350, MONDO:0007888, OMIM 150800, HP:0007437. Disease mechanism: loss of function.

Submission:

St. Jude Molecular Pathology, St. Jude Children's Research Hospital
Classification: Likely pathogenic for Hereditary leiomyomatosis and renal cell cancer. Last evaluated: 2022-07-03. Review status: criteria provided, single submitter. Criteria: St. Jude Assertion Criteria 2020. Collection method: clinical testing. Allele origin: germline. Affected: yes.
Comment: The FH c.1250_1251insTAATGTGT (p.Leu417PhefsTer35) change causes a frameshift and the creation of a premature stop codon, which is predicted to produce a truncated protein. This variant is absent in gnomAD v2.1.1. Truncating variants downstream of the p.Leu417PhefsTer35 change have been reported in individuals and/or families with hereditary leiomyomatosis and renal cell cancer (PMIDs: 11865300, 12772087, 16597677, 17392716, 21398687, 22982371, 27187686, 27566483, 29423582, 31792767, 31831373). In summary, this variant meets criteria to be classified as likely pathogenic.